The following is an entry in ClinVar:

ClinVar aggregate classification (germline): Uncertain significance (1 of 4 stars; one submission).

Conditions:
Developmental and epileptic encephalopathy, 37 (DEE37). Also called: Epileptic encephalopathy, early infantile, 37. Identifiers: MedGen C4310770, MONDO:0014859, OMIM 616981.

Allele frequency attached by ClinVar (database versions not stated): gnomAD 0.00001; gnomAD exomes 0.00001; ExAC 0.00002; TOPMed 0.00002.
gnomAD v4.1: 25 of 1,610,302 alleles (0.0016%); highest among the groups gnomAD compares: South Asian, 0.0022%; no homozygotes.

Submission:

Labcorp Genetics (formerly Invitae), Labcorp
Classification: Uncertain significance for Developmental and epileptic encephalopathy, 37. Last evaluated: 2022-08-16. Review status: criteria provided, single submitter. Criteria: Invitae Variant Classification Sherloc (09022015). Collection method: clinical testing. Allele origin: germline.
Comment: In summary, the available evidence is currently insufficient to determine the role of this variant in disease. Therefore, it has been classified as a Variant of Uncertain Significance. Algorithms developed to predict the effect of missense changes on protein structure and function (SIFT, PolyPhen-2, Align-GVGD) all suggest that this variant is likely to be disruptive. ClinVar contains an entry for this variant (Variation ID: 839992). This variant has not been reported in the literature in individuals affected with FRRS1L-related conditions. This variant is present in population databases (rs769040844, gnomAD 0.003%). This sequence change replaces tyrosine, which is neutral and polar, with cysteine, which is neutral and slightly polar, at codon 338 of the FRRS1L protein (p.Tyr338Cys).

NM_014334.4(FRRS1L):c.860A>G (p.Tyr287Cys)

Gene: FRRS1L (ferric chelate reductase 1 like; minus strand). Cytogenetic location: 9q31.3.
Variant type: single nucleotide variant.
Coding change: c.860A>G on transcript NM_014334.4 (MANE Select); coding-DNA position 860, A replaced by G.
Protein change: p.Tyr287Cys; replaces tyrosine 287 with cysteine.
Molecular consequence: missense variant.
Genome position (GRCh38, 1-based): chr9:109,137,477, T>C on the plus strand (A>G on the coding strand, the complement: FRRS1L is on the minus strand). VCF-style: chr9-109137477-T-C. GRCh37 (hg19) VCF-style: chr9-111899757-T-C.
Other names: short protein forms Y287C.
Identifiers: ClinVar variation 839992 (VCV000839992.8), dbSNP rs769040844, ClinGen allele CA5177305.